The following is an entry in ClinVar:

NM_000742.4(CHRNA2):c.579C>A (p.Asp193Glu)

Gene: CHRNA2 (cholinergic receptor nicotinic alpha 2 subunit; minus strand). Cytogenetic location: 8p21.2.
Variant type: single nucleotide variant.
Coding change: c.579C>A on transcript NM_000742.4 (MANE Select); coding-DNA position 579, C replaced by A.
Protein change: p.Asp193Glu; replaces aspartic acid 193 with glutamic acid.
Molecular consequence: missense variant. On other transcripts: intron variant (2).
Genome position (GRCh38, 1-based): chr8:27,463,864, G>T on the plus strand (C>A on the coding strand, the complement: CHRNA2 is on the minus strand). VCF-style: chr8-27463864-G-T. GRCh37 (hg19) VCF-style: chr8-27321381-G-T.
Other names: c.534C>A, p.Asp178Glu (NM_001282455.2); c.102C>A, p.Asp34Glu (NM_001347705.2, NM_001347706.2); c.-12-4C>A (NM_001347708.2); c.-9-7C>A (NM_001347707.2); short protein forms D193E, D178E, D34E.
Identifiers: ClinVar variation 1485609 (VCV001485609.8), dbSNP rs2132654151, ClinGen allele CA370811295.

ClinVar aggregate classification (germline): Uncertain significance (1 of 4 stars; one submission).

Conditions:
Familial sleep-related hypermotor epilepsy. Also called: Autosomal Dominant Sleep-Related Hypermotor (Hyperkinetic) Epilepsy. Identifiers: Orphanet 98784, MedGen C3696898, MONDO:0000030.

Allele frequency attached by ClinVar (database versions not stated): gnomAD exomes below 0.00001.

Submission:

Labcorp Genetics (formerly Invitae), Labcorp
Classification: Uncertain significance. Last evaluated: 2022-02-10. Review status: criteria provided, single submitter. Criteria: Invitae Variant Classification Sherloc (09022015). Collection method: clinical testing. Allele origin: germline.
Comment: This sequence change replaces aspartic acid, which is acidic and polar, with glutamic acid, which is acidic and polar, at codon 193 of the CHRNA2 protein (p.Asp193Glu). This variant is not present in population databases (gnomAD no frequency). This variant has not been reported in the literature in individuals affected with CHRNA2-related conditions. Advanced modeling of protein sequence and biophysical properties (such as structural, functional, and spatial information, amino acid conservation, physicochemical variation, residue mobility, and thermodynamic stability) performed at Invitae indicates that this missense variant is expected to disrupt CHRNA2 protein function. In summary, the available evidence is currently insufficient to determine the role of this variant in disease. Therefore, it has been classified as a Variant of Uncertain Significance.